The following is an entry in ClinVar:

ClinVar aggregate classification (germline): Pathogenic. Review status: criteria provided, multiple submitters, no conflicts (2 of 4 stars). 2 submissions from 2 submitters: Pathogenic (2). Last evaluated 2025-04-22.

Conditions:
Hereditary cancer-predisposing syndrome. Also called: Neoplastic Syndromes, Hereditary; Hereditary neoplastic syndrome; Tumor predisposition; Hereditary Cancer Syndrome. Identifiers: Orphanet 140162, MedGen C0027672, MeSH D009386, MONDO:0015356.
Cardiovascular phenotype. Identifiers: MedGen CN230736.

Submissions (2):

Labcorp Genetics (formerly Invitae), Labcorp
Classification: Pathogenic. Last evaluated: 2025-04-22. Review status: criteria provided, single submitter. Criteria: Invitae Variant Classification Sherloc (09022015). Collection method: clinical testing. Allele origin: germline.
Comment: This sequence change creates a premature translational stop signal (p.Leu96Cysfs*5) in the LZTR1 gene. It is expected to result in an absent or disrupted protein product. Loss-of-function variants in LZTR1 are known to be pathogenic (PMID: 24362817, 25335493, 25480913, 25795793, 29469822, 30368668, 30442762, 30442766, 30481304, 30859559). This variant is not present in population databases (gnomAD no frequency). This variant has not been reported in the literature in individuals affected with LZTR1-related conditions. ClinVar contains an entry for this variant (Variation ID: 2886220). For these reasons, this variant has been classified as Pathogenic.

Ambry Genetics
Classification: Pathogenic for Cardiovascular phenotype; Hereditary cancer-predisposing syndrome. Last evaluated: 2023-11-13. Review status: criteria provided, single submitter. Criteria: Ambry Variant Classification Scheme 2023. Collection method: clinical testing. Allele origin: germline.
Comment: The c.286delC pathogenic mutation, located in coding exon 3 of the LZTR1 gene, results from a deletion of one nucleotide at nucleotide position 286, causing a translational frameshift with a predicted alternate stop codon (p.L96Cfs*5). This alteration is expected to result in loss of function by premature protein truncation or nonsense-mediated mRNA decay. Loss-of-function variants in LZTR1 are related to an increased risk for schwannomas and autosomal recessive Noonan syndrome; however, such associations with autosomal dominant Noonan syndrome have not been observed (Piotrowski A et al. Nat Genet. 2014 Feb;46:182-7; Yamamoto GL et al. J Med Genet. 2015 Jun;52:413-21; Johnston JJ et al. Genet Med. 2018 10;20:1175-1185). This variant is considered to be rare based on population cohorts in the Genome Aggregation Database (gnomAD). Based on the supporting evidence, this variant is pathogenic for an increased risk of LZTR1-related schwannomatosis (SWN) and would be expected to cause autosomal recessive Noonan syndrome when present along with a second pathogenic or likely pathogenic variant on the other allele; however, the association of this alteration with autosomal dominant Noonan syndrome is unlikely.

Literature cited by the submitters: PubMed 24362817 (cited by Labcorp Genetics (formerly Invitae), Labcorp); PubMed 25335493 (cited by Labcorp Genetics (formerly Invitae), Labcorp); PubMed 25480913 (cited by Labcorp Genetics (formerly Invitae), Labcorp); PubMed 25795793 (cited by Labcorp Genetics (formerly Invitae), Labcorp); PubMed 29469822 (cited by Labcorp Genetics (formerly Invitae), Labcorp); PubMed 30368668 (cited by Labcorp Genetics (formerly Invitae), Labcorp); PubMed 30442762 (cited by Labcorp Genetics (formerly Invitae), Labcorp); PubMed 30442766 (cited by Labcorp Genetics (formerly Invitae), Labcorp); PubMed 30481304 (cited by Labcorp Genetics (formerly Invitae), Labcorp); PubMed 30859559 (cited by Labcorp Genetics (formerly Invitae), Labcorp).

NM_006767.4(LZTR1):c.286del (p.Leu96fs)

Gene: LZTR1 (leucine zipper like post translational regulator 1; plus strand). Cytogenetic location: 22q11.21.
Variant type: Deletion.
Coding change: c.286del on transcript NM_006767.4 (MANE Select); coding-DNA position 286, one base deleted (C; older notation c.286delC).
Protein change: p.Leu96fs; shifts the reading frame from leucine 96.
Molecular consequence: frameshift variant.
Genome position (GRCh38, 1-based): chr22:20,985,863, C deleted; the last of 2 consecutive C bases (chr22:20,985,862-20,985,863); deleting either gives the same sequence. VCF-style (leftmost placement, unchanged base first): chr22-20985861-TC-T. GRCh37 (hg19) VCF-style: chr22-21340150-TC-T.
Other names: c.286delC (NM_006767.3); short protein forms L96fs.
Identifiers: ClinVar variation 2886220 (VCV002886220.4), dbSNP rs2518610630, ClinGen allele CA2577656017.